The following is an entry in ClinVar:

ClinVar aggregate classification (germline): Uncertain significance (1 of 4 stars; one submission).

Conditions:
Cardiomyopathy (CMYO). Also called: Cardiomyopathies. Identifiers: Orphanet 167848, MedGen C0878544, MONDO:0004994, HP:0001638. Inheritance: Various modes of inheritance.

Submission:

Color Diagnostics, LLC DBA Color Health
Classification: Uncertain significance for Cardiomyopathy. Last evaluated: 2023-12-04. Review status: criteria provided, single submitter. Criteria: ACMG Guidelines, 2015. Collection method: clinical testing. Allele origin: germline.
Comment: Variant of Uncertain Significance due to insufficient evidence: This missense variant replaces proline with glutamine at codon 395 of the TMEM43 protein. Computational prediction tools and conservation analyses are inconclusive regarding the impact of this variant on the protein function. Computational splicing tools suggest that this variant may not impact RNA splicing. To our knowledge, functional assays have not been performed for this variant nor has this variant been reported in individuals affected with cardiovascular disorders in the literature. This variant has not been identified in the general population by the Genome Aggregation Database (gnomAD). Available evidence is insufficient to determine the role of this variant in disease conclusively.

NM_024334.3(TMEM43):c.1184C>A (p.Pro395Gln)

Gene: TMEM43 (transmembrane protein 43; plus strand). Cytogenetic location: 3p25.1.
Variant type: single nucleotide variant.
Coding change: c.1184C>A on transcript NM_024334.3 (MANE Select); coding-DNA position 1184, C replaced by A.
Protein change: p.Pro395Gln; replaces proline 395 with glutamine.
Molecular consequence: missense variant.
Genome position (GRCh38, 1-based): chr3:14,141,776, C>A. VCF-style: chr3-14141776-C-A. GRCh37 (hg19) VCF-style: chr3-14183276-C-A.
Other names: short protein forms P395Q.
Identifiers: ClinVar variation 923432 (VCV000923432.5), dbSNP rs1169613716, ClinGen allele CA351536688.